The following is an entry in ClinVar:

NM_021942.6(TRAPPC11):c.3242A>G (p.Tyr1081Cys)

Gene: TRAPPC11 (trafficking protein particle complex subunit 11; plus strand). Cytogenetic location: 4q35.1.
Variant type: single nucleotide variant.
Coding change: c.3242A>G on transcript NM_021942.6 (MANE Select); coding-DNA position 3242, A replaced by G.
Protein change: p.Tyr1081Cys; replaces tyrosine 1081 with cysteine.
Molecular consequence: missense variant. On other transcripts: intron variant (1).
Genome position (GRCh38, 1-based): chr4:183,708,459, A>G. VCF-style: chr4-183708459-A-G. GRCh37 (hg19) VCF-style: chr4-184629612-A-G.
Other names: c.3199+43A>G (NM_199053.3); short protein forms Y1081C.
Identifiers: ClinVar variation 2193587 (VCV002193587.4), dbSNP rs750808098, ClinGen allele CA3152488.

ClinVar aggregate classification (germline): Uncertain significance (1 of 4 stars; one submission).

Conditions:
Autosomal recessive limb-girdle muscular dystrophy type R18 (LGMDR18). Also called: Limb-girdle muscular dystrophy, type 2S; MUSCULAR DYSTROPHY, LIMB-GIRDLE, AUTOSOMAL RECESSIVE 18; Autosomal recessive limb-girdle muscular dystrophy type 2S. Identifiers: Orphanet 369840, MedGen C4517996, MONDO:0014144, OMIM 615356.

Allele frequency attached by ClinVar (database versions not stated): ExAC 0.00001; gnomAD exomes 0.00001.
gnomAD v4.1: 9 of 1,614,108 alleles (0.00056%); highest among the groups gnomAD compares: Middle Eastern, 0.017%; no homozygotes.

Submission:

Labcorp Genetics (formerly Invitae), Labcorp
Classification: Uncertain significance for Autosomal recessive limb-girdle muscular dystrophy type R18. Last evaluated: 2024-05-22. Review status: criteria provided, single submitter. Criteria: Invitae Variant Classification Sherloc (09022015). Collection method: clinical testing. Allele origin: germline.
Comment: This sequence change replaces tyrosine, which is neutral and polar, with cysteine, which is neutral and slightly polar, at codon 1081 of the TRAPPC11 protein (p.Tyr1081Cys). This variant is present in population databases (rs750808098, gnomAD 0.002%). This variant has not been reported in the literature in individuals affected with TRAPPC11-related conditions. ClinVar contains an entry for this variant (Variation ID: 2193587). Advanced modeling of protein sequence and biophysical properties (such as structural, functional, and spatial information, amino acid conservation, physicochemical variation, residue mobility, and thermodynamic stability) performed at Invitae indicates that this missense variant is expected to disrupt TRAPPC11 protein function with a positive predictive value of 80%. In summary, the available evidence is currently insufficient to determine the role of this variant in disease. Therefore, it has been classified as a Variant of Uncertain Significance.